The following is an entry in ClinVar:

NM_003676.4(DEGS1):c.99A>G (p.Ile33Met)

Gene: DEGS1 (delta 4-desaturase, sphingolipid 1; plus strand). Cytogenetic location: 1q42.11.
Variant type: single nucleotide variant.
Coding change: c.99A>G on transcript NM_003676.4 (MANE Select); coding-DNA position 99, A replaced by G.
Protein change: p.Ile33Met; replaces isoleucine 33 with methionine.
Molecular consequence: missense variant. On other transcripts: 5 prime UTR variant (1).
Genome position (GRCh38, 1-based): chr1:224,189,593, A>G. VCF-style: chr1-224189593-A-G. GRCh37 (hg19) VCF-style: chr1-224377295-A-G.
Other names: c.99A>G (NM_003676.3); c.99A>G, p.Ile33Met (NM_001321541.2); c.-10A>G (NM_001321542.2); short protein forms I33M.
Identifiers: ClinVar variation 1522408 (VCV001522408.28), dbSNP rs780472867, ClinGen allele CA1413584.
Genomic context (GRCh38, chr1:224,189,593, plus strand): 5'-TACATACTTTTCTTAGTTCCTGTTTTTTTGTTTTTTCTTTACAGCAAAGTATCCAGAGAT[A>G]AAGTCCTTGATGAAACCTGATCCCAATTTGATATGGATTATAATTATGATGGTTCTCACC-3'
Protein context (NP_003667.1, residues 23-43): RREILAKYPE[Ile33Met]KSLMKPDPNL

ClinVar aggregate classification (germline): Uncertain significance. Review status: criteria provided, multiple submitters, no conflicts (2 of 4 stars). 5 submissions from 5 submitters: Uncertain significance (4). 1 of the submissions does not count toward it. Last evaluated 2024-11-13.

Conditions:
DEGS1-related disorder. Also called: DEGS1-related condition.

Allele frequency attached by ClinVar (database versions not stated): gnomAD 0.00002 and 0.00005; ExAC 0.00003; gnomAD exomes 0.00003; TOPMed 0.00006.
gnomAD v4.1: 123 of 1,597,488 alleles (0.0077%); highest among the groups gnomAD compares: Middle Eastern, 1.2%; 5 homozygotes.

Submissions (5):

Blueprint Genetics
Classification: Uncertain significance. Last evaluated: 2024-11-13. Review status: criteria provided, single submitter. Criteria: ACMG Guidelines, 2015. Collection method: clinical testing. Allele origin: germline.

Labcorp Genetics (formerly Invitae), Labcorp
Classification: Uncertain significance. Last evaluated: 2022-09-12. Review status: criteria provided, single submitter. Criteria: Invitae Variant Classification Sherloc (09022015). Collection method: clinical testing. Allele origin: germline.
Comment: This sequence change replaces isoleucine, which is neutral and non-polar, with methionine, which is neutral and non-polar, at codon 33 of the DEGS1 protein (p.Ile33Met). This variant is present in population databases (rs780472867, gnomAD 0.007%). This variant has not been reported in the literature in individuals affected with DEGS1-related conditions. ClinVar contains an entry for this variant (Variation ID: 1522408). Advanced modeling of protein sequence and biophysical properties (such as structural, functional, and spatial information, amino acid conservation, physicochemical variation, residue mobility, and thermodynamic stability) performed at Invitae indicates that this missense variant is not expected to disrupt DEGS1 protein function. In summary, the available evidence is currently insufficient to determine the role of this variant in disease. Therefore, it has been classified as a Variant of Uncertain Significance.

CeGaT Center for Human Genetics Tuebingen
Classification: Uncertain significance. Last evaluated: 2022-05-01. Review status: criteria provided, single submitter. Criteria: CeGaT Center For Human Genetics Tuebingen Variant Classification Criteria Version 2. Collection method: clinical testing. Allele origin: germline. Affected: yes. Observed: 2 variant alleles.
Comment: DEGS1: PM2

Breakthrough Genomics
Classification: Uncertain significance. Review status: criteria provided, single submitter. Criteria: ACMG Guidelines, 2015. Collection method: not provided. Allele origin: germline. Inheritance: Autosomal recessive inheritance. Affected: yes.

PreventionGenetics, part of Exact Sciences
Classification: Uncertain significance for DEGS1-related condition. Last evaluated: 2024-08-12. Review status: no assertion criteria provided. Collection method: clinical testing. Allele origin: germline. Not counted in ClinVar's aggregate classification.
Comment: The DEGS1 c.99A>G variant is predicted to result in the amino acid substitution p.Ile33Met. This variant is reported in 0.0064% of alleles in individuals of Latino descent in gnomAD. At this time, the clinical significance of this variant is uncertain due to the absence of conclusive functional and genetic evidence.